The following is an entry in ClinVar:

NM_024649.5(BBS1):c.738C>T (p.Ser246=)

Genes: BBS1 (Bardet-Biedl syndrome 1; plus strand), ZDHHC24 (zDHHC palmitoyltransferase 24; minus strand). Cytogenetic location: 11q13.2.
Variant type: single nucleotide variant.
Coding change: c.738C>T on transcript NM_024649.5 (MANE Select); coding-DNA position 738, C replaced by T.
Protein change: p.Ser246=; no amino-acid change (serine 246 retained).
Molecular consequence: synonymous variant. On other transcripts: 3 prime UTR variant (1).
Genome position (GRCh38, 1-based): chr11:66,521,284, C>T. VCF-style: chr11-66521284-C-T. GRCh37 (hg19) VCF-style: chr11-66288755-C-T.
Other names: c.*204G>A (NM_001348571.2).
Identifiers: ClinVar variation 704966 (VCV000704966.14), dbSNP rs775266312, ClinGen allele CA6123476.
Genomic context (GRCh38, chr11:66,521,284, plus strand): 5'-ACGGGGGCTCCAGAGAAATTGGAGTGTTTGCGCTTCTTGTTTGCAGATGAGCCTTCCCAG[C>T]GTCCCCGTCTTCCTAGAGGTTTCTGGCCAGTTTGATGTTGAGTTCCGGCTTGCCGCGGCC-3'
Protein context (NP_078925.3, residues 236-256): FTILAKMSLP[Ser246=]VPVFLEVSGQ

ClinVar aggregate classification (germline): Likely benign. Review status: criteria provided, multiple submitters, no conflicts (2 of 4 stars). 3 submissions from 3 submitters: Likely benign (2). 1 of the submissions does not count toward it. Last evaluated 2024-04-02.

Conditions:
Bardet-Biedl syndrome (BBS). Identifiers: Orphanet 110, MedGen C0752166, MONDO:0015229.
BBS1-related disorder. Also called: BBS1-related condition.

Allele frequency attached by ClinVar (database versions not stated): gnomAD 0.00005 and 0.00006; gnomAD exomes 0.00002; TOPMed 0.00003; ExAC 0.00002.
gnomAD v4.1: 38 of 1,613,936 alleles (0.0024%); highest among the groups gnomAD compares: African/African-American, 0.0067%; no homozygotes.

Submissions (3):

Labcorp Genetics (formerly Invitae), Labcorp
Classification: Likely benign for Bardet-Biedl syndrome. Last evaluated: 2024-04-02. Review status: criteria provided, single submitter. Criteria: Invitae Variant Classification Sherloc (09022015). Collection method: clinical testing. Allele origin: germline.

Blueprint Genetics
Classification: Likely benign. Last evaluated: 2020-04-29. Review status: criteria provided, single submitter. Criteria: ACMG Guidelines, 2015. Collection method: clinical testing. Allele origin: germline.

PreventionGenetics, part of Exact Sciences
Classification: Likely benign for BBS1-related condition. Last evaluated: 2022-03-22. Review status: no assertion criteria provided. Collection method: clinical testing. Allele origin: germline. Not counted in ClinVar's aggregate classification.
Comment: This variant is classified as likely benign based on ACMG/AMP sequence variant interpretation guidelines (Richards et al. 2015 PMID: 25741868, with internal and published modifications).